The following is an entry in ClinVar:

NM_001166108.2(PALLD):c.3254G>T (p.Cys1085Phe)

Genes: CBR4 (carbonyl reductase 4; minus strand), PALLD (palladin, cytoskeletal associated protein; plus strand). Cytogenetic location: 4q32.3.
Variant type: single nucleotide variant.
Coding change: c.3254G>T on transcript NM_001166108.2 (MANE Select); coding-DNA position 3254, G replaced by T.
Protein change: p.Cys1085Phe; replaces cysteine 1085 with phenylalanine.
Molecular consequence: missense variant.
Genome position (GRCh38, 1-based): chr4:168,924,974, G>T. VCF-style: chr4-168924974-G-T. GRCh37 (hg19) VCF-style: chr4-169846125-G-T.
Other names: c.2057G>T, p.Cys686Phe (NM_001166109.2); c.1742G>T, p.Cys581Phe (NM_001166110.2); c.1082G>T, p.Cys361Phe (NM_001367567.1, NM_001367569.1); c.1133G>T, p.Cys378Phe (NM_001367568.1, NM_001367570.1); c.3203G>T, p.Cys1068Phe (NM_016081.4); short protein forms C1068F, C1085F, C361F, C378F, C581F, C686F.
Identifiers: ClinVar variation 3226802 (VCV003226802.1), dbSNP rs771679229, ClinGen allele CA358713619.

ClinVar aggregate classification (germline): Uncertain significance (1 of 4 stars; one submission).

Submission:

Ambry Genetics
Classification: Uncertain significance. Last evaluated: 2023-10-08. Review status: criteria provided, single submitter. Criteria: Ambry Variant Classification Scheme 2023. Collection method: clinical testing. Allele origin: germline.
Comment: The p.C1068F variant (also known as c.3203G>T), located in coding exon 18 of the PALLD gene, results from a G to T substitution at nucleotide position 3203. The cysteine at codon 1068 is replaced by phenylalanine, an amino acid with highly dissimilar properties. This amino acid position is conserved. In addition, this alteration is predicted to be deleterious by in silico analysis. Since supporting evidence is limited at this time, the clinical significance of this alteration remains unclear.